The following is an entry in ClinVar:

NM_007186.6(CEP250):c.1175G>A (p.Arg392His)

Genes: CEP250 (centrosomal protein 250; plus strand), CEP250-AS1 (CEP250 antisense RNA 1; minus strand). Cytogenetic location: 20q11.22.
Variant type: single nucleotide variant.
Coding change: c.1175G>A on transcript NM_007186.6 (MANE Select); coding-DNA position 1175, G replaced by A.
Protein change: p.Arg392His; replaces arginine 392 with histidine.
Molecular consequence: missense variant. On other transcripts: 5 prime UTR variant (1).
Genome position (GRCh38, 1-based): chr20:35,472,797, G>A. VCF-style: chr20-35472797-G-A. GRCh37 (hg19) VCF-style: chr20-34060622-G-A.
Other names: c.-725G>A (NM_001318219.1); c.1175G>A (NM_007186.3); short protein forms R392H.
Identifiers: ClinVar variation 1931216 (VCV001931216.4), dbSNP rs200471436, ClinGen allele CA9832831.

ClinVar aggregate classification (germline): Uncertain significance. Review status: criteria provided, multiple submitters, no conflicts (2 of 4 stars). 3 submissions from 3 submitters: Uncertain significance (3). Last evaluated 2024-04-23.

Allele frequency attached by ClinVar (database versions not stated): ExAC 0.00004; ESP Exome Variant Server 0.00008.
gnomAD v4.1: 76 of 1,614,024 alleles (0.0047%); highest among the groups gnomAD compares: East Asian, 0.049%; no homozygotes.

Submissions (3):

Ambry Genetics
Classification: Uncertain significance. Last evaluated: 2024-04-23. Review status: criteria provided, single submitter. Criteria: Ambry Variant Classification Scheme 2023. Collection method: clinical testing. Allele origin: germline.

Blueprint Genetics
Classification: Uncertain significance. Last evaluated: 2023-09-06. Review status: criteria provided, single submitter. Criteria: ACMG Guidelines, 2015. Collection method: clinical testing. Allele origin: germline.

Labcorp Genetics (formerly Invitae), Labcorp
Classification: Uncertain significance. Last evaluated: 2022-03-21. Review status: criteria provided, single submitter. Criteria: Invitae Variant Classification Sherloc (09022015). Collection method: clinical testing. Allele origin: germline.
Comment: This sequence change replaces arginine, which is basic and polar, with histidine, which is basic and polar, at codon 392 of the CEP250 protein (p.Arg392His). This variant is present in population databases (rs200471436, gnomAD 0.03%). This variant has not been reported in the literature in individuals affected with CEP250-related conditions. Algorithms developed to predict the effect of missense changes on protein structure and function output the following: SIFT: "Not Available"; PolyPhen-2: "Benign"; Align-GVGD: "Not Available". The histidine amino acid residue is found in multiple mammalian species, which suggests that this missense change does not adversely affect protein function. In summary, the available evidence is currently insufficient to determine the role of this variant in disease. Therefore, it has been classified as a Variant of Uncertain Significance.